The following is an entry in ClinVar:

ClinVar aggregate classification (germline): Uncertain significance. Review status: criteria provided, multiple submitters, no conflicts (2 of 4 stars). 3 submissions from 3 submitters: Uncertain significance (3). Last evaluated 2024-09-16.

Allele frequency attached by ClinVar (database versions not stated): gnomAD exomes 0.00003; gnomAD 0.00004 and 0.00005; ExAC 0.00006; TOPMed 0.00016; 1000 Genomes Project 30x 0.00031; 1000 Genomes Project 0.00040.
gnomAD v4.1: 40 of 1,598,940 alleles (0.0025%); highest among the groups gnomAD compares: Middle Eastern, 0.05%; no homozygotes.

Submissions (3):

Labcorp Genetics (formerly Invitae), Labcorp
Classification: Uncertain significance. Last evaluated: 2024-09-16. Review status: criteria provided, single submitter. Criteria: Invitae Variant Classification Sherloc (09022015). Collection method: clinical testing. Allele origin: germline.
Comment: This sequence change replaces arginine, which is basic and polar, with cysteine, which is neutral and slightly polar, at codon 290 of the CDT1 protein (p.Arg290Cys). The frequency data for this variant in the population databases is considered unreliable, as metrics indicate poor data quality at this position in the gnomAD database. This variant has not been reported in the literature in individuals affected with CDT1-related conditions. ClinVar contains an entry for this variant (Variation ID: 497753). An algorithm developed to predict the effect of missense changes on protein structure and function outputs the following: PolyPhen-2: "Benign". The cysteine amino acid residue is found in multiple mammalian species, which suggests that this missense change does not adversely affect protein function. In summary, the available evidence is currently insufficient to determine the role of this variant in disease. Therefore, it has been classified as a Variant of Uncertain Significance.

GeneDx
Classification: Uncertain significance. Last evaluated: 2024-06-01. Review status: criteria provided, single submitter. Criteria: GeneDx Variant Classification Process June 2021. Collection method: clinical testing. Allele origin: germline. Affected: yes.
Comment: In silico analysis supports that this missense variant does not alter protein structure/function; Has not been previously published as pathogenic or benign to our knowledge

Eurofins Ntd Llc (ga)
Classification: Uncertain significance. Last evaluated: 2016-11-15. Review status: criteria provided, single submitter. Criteria: EGL Classification Definitions 2015. Collection method: clinical testing. Allele origin: germline. Observed: 1 variant allele, 1 heterozygote.

NM_030928.4(CDT1):c.868C>T (p.Arg290Cys)

Gene: CDT1 (chromatin licensing and DNA replication factor 1; plus strand). Cytogenetic location: 16q24.3.
Variant type: single nucleotide variant.
Coding change: c.868C>T on transcript NM_030928.4 (MANE Select); coding-DNA position 868, C replaced by T.
Protein change: p.Arg290Cys; replaces arginine 290 with cysteine.
Molecular consequence: missense variant.
Genome position (GRCh38, 1-based): chr16:88,806,056, C>T. VCF-style: chr16-88806056-C-T. GRCh37 (hg19) VCF-style: chr16-88872464-C-T.
Other names: c.868C>T (NM_030928.3); short protein forms R290C.
Identifiers: ClinVar variation 497753 (VCV000497753.8), dbSNP rs200820843, ClinGen allele CA8233878.